The following is an entry in ClinVar:

NM_002474.3(MYH11):c.268A>G (p.Met90Val)

Gene: MYH11 (myosin heavy chain 11; minus strand). Cytogenetic location: 16p13.11.
Variant type: single nucleotide variant.
Coding change: c.268A>G on transcript NM_002474.3 (MANE Select); coding-DNA position 268, A replaced by G.
Protein change: p.Met90Val; replaces methionine 90 with valine.
Molecular consequence: missense variant.
Genome position (GRCh38, 1-based): chr16:15,837,985, T>C on the plus strand (A>G on the coding strand, the complement: MYH11 is on the minus strand). VCF-style: chr16-15837985-T-C. GRCh37 (hg19) VCF-style: chr16-15931842-T-C.
Other names: c.268A>G, p.Met90Val (NM_001040113.2, NM_001040114.2, NM_022844.3); short protein forms M90V.
Identifiers: ClinVar variation 982357 (VCV000982357.3), dbSNP rs1187770545, ClinGen allele CA395198302.

ClinVar aggregate classification (germline): Uncertain significance. Review status: criteria provided, multiple submitters, no conflicts (2 of 4 stars). 2 submissions from 2 submitters: Uncertain significance (2). Last evaluated 2024-07-20.

Conditions:
Familial thoracic aortic aneurysm and aortic dissection (TAAD). Also called: Thoracic aortic aneurysms and dissections. Identifiers: Orphanet 91387, MedGen C4707243, MONDO:0019625.
Isolated thoracic aortic aneurysm.

Allele frequency attached by ClinVar (database versions not stated): gnomAD exomes below 0.00001.
gnomAD v4.1: 3 of 1,614,202 alleles (0.00019%); highest among the groups gnomAD compares: East Asian, 0.0022%; no homozygotes.

Submissions (2):

All of Us Research Program, National Institutes of Health
Classification: Uncertain significance for Familial thoracic aortic aneurysm and aortic dissection. Last evaluated: 2024-07-20. Review status: criteria provided, single submitter. Criteria: ACMG Guidelines, 2015. Collection method: clinical testing. Allele origin: germline. Inheritance: Autosomal dominant inheritance. Observed: 1 variant allele, 1 heterozygote.
Comment: This missense variant replaces methionine with valine at codon 90 of the MYH11 protein. Computational prediction tools indicate that this variant has a deleterious impact on protein structure and function. To our knowledge, functional studies have not been reported for this variant. This variant has been reported in an individual affected with sporadic Stanford type A aortic dissection (PMID: 34422331). This variant has been identified in 1/251490 chromosomes in the general population by the Genome Aggregation Database (gnomAD). The available evidence is insufficient to determine the role of this variant in disease conclusively. Therefore, this variant is classified as a Variant of Uncertain Significance.

This study involves interpretation of variants in research participants for the purpose of population health screening. Participant phenotype was not available at the time of variant classification. Additional details can be found in publication PMID: 35346344, PMCID: PMC8962531

Department of Vascular Biology, Beijing Anzhen Hospital
Classification: Uncertain significance for Isolated thoracic aortic aneurysm. Last evaluated: 2018-09-01. Review status: criteria provided, single submitter. Criteria: ACMG Guidelines, 2015. Collection method: research. Allele origin: germline. Affected: yes.

Literature cited by the submitters: PubMed 34422331 (cited by All of Us Research Program, National Institutes of Health).